The following is an entry in ClinVar:

NM_018975.4(TERF2IP):c.1163A>G (p.Gln388Arg)

Gene: TERF2IP (TERF2 interacting protein; plus strand). Cytogenetic location: 16q23.1.
Variant type: single nucleotide variant.
Coding change: c.1163A>G on transcript NM_018975.4 (MANE Select); coding-DNA position 1163, A replaced by G.
Protein change: p.Gln388Arg; replaces glutamine 388 with arginine.
Molecular consequence: missense variant. On other transcripts: non-coding transcript variant (1).
Genome position (GRCh38, 1-based): chr16:75,656,574, A>G. VCF-style: chr16-75656574-A-G. GRCh37 (hg19) VCF-style: chr16-75690472-A-G.
Other names: short protein forms Q388R.
Identifiers: ClinVar variation 2325678 (VCV002325678.3), dbSNP rs1394636813, ClinGen allele CA396820400.

ClinVar aggregate classification (germline): Uncertain significance. Review status: criteria provided, multiple submitters, no conflicts (2 of 4 stars). 2 submissions from 2 submitters: Uncertain significance (2). Last evaluated 2025-06-11.

Allele frequency attached by ClinVar (database versions not stated): gnomAD 0.00007; TOPMed 0.00010; gnomAD exomes 0.00001.
gnomAD v4.1: 15 of 1,611,130 alleles (0.00093%); highest among the groups gnomAD compares: Admixed American, 0.025%; no homozygotes.

Submissions (2):

Labcorp Genetics (formerly Invitae), Labcorp
Classification: Uncertain significance. Last evaluated: 2025-06-11. Review status: criteria provided, single submitter. Criteria: Invitae Variant Classification Sherloc (09022015). Collection method: clinical testing. Allele origin: germline.
Comment: This sequence change replaces glutamine, which is neutral and polar, with arginine, which is basic and polar, at codon 388 of the TERF2IP protein (p.Gln388Arg). This variant is present in population databases (no rsID available, gnomAD 0.01%). This variant has not been reported in the literature in individuals affected with TERF2IP-related conditions. ClinVar contains an entry for this variant (Variation ID: 2325678). An algorithm developed to predict the effect of missense changes on protein structure and function (PolyPhen-2) suggests that this variant is likely to be tolerated. In summary, the available evidence is currently insufficient to determine the role of this variant in disease. Therefore, it has been classified as a Variant of Uncertain Significance.

Ambry Genetics
Classification: Uncertain significance. Last evaluated: 2024-03-07. Review status: criteria provided, single submitter. Criteria: Ambry Variant Classification Scheme 2023. Collection method: clinical testing. Allele origin: germline.
Comment: The p.Q388R variant (also known as c.1163A>G), located in coding exon 3 of the TERF2IP gene, results from an A to G substitution at nucleotide position 1163. The glutamine at codon 388 is replaced by arginine, an amino acid with highly similar properties. This amino acid position is conserved. In addition, this alteration is predicted to be tolerated by in silico analysis. Based on the available evidence, the clinical significance of this alteration remains unclear.